The following is an entry in ClinVar:

NM_005359.6(SMAD4):c.1140-18T>C

Gene: SMAD4 (SMAD family member 4; plus strand). Cytogenetic location: 18q21.2.
Variant type: single nucleotide variant.
Coding change: c.1140-18T>C on transcript NM_005359.6 (MANE Select); 18 bases into the intron before coding-DNA position 1140, T replaced by C.
Molecular consequence: intron variant.
Genome position (GRCh38, 1-based): chr18:51,067,001, T>C. VCF-style: chr18-51067001-T-C. GRCh37 (hg19) VCF-style: chr18-48593371-T-C.
Identifiers: ClinVar variation 920599 (VCV000920599.11), dbSNP rs1328617837, ClinGen allele CA629926694.

ClinVar aggregate classification (germline): Likely benign. Review status: criteria provided, multiple submitters, no conflicts (2 of 4 stars). 3 submissions from 3 submitters: Likely benign (3). Last evaluated 2025-10-27.

Conditions:
Juvenile polyposis syndrome (JPS). Identifiers: Orphanet 2929, MedGen C0345893, MONDO:0017380, OMIM 174900.
Hereditary cancer-predisposing syndrome. Also called: Neoplastic Syndromes, Hereditary; Hereditary neoplastic syndrome; Tumor predisposition; Hereditary Cancer Syndrome. Identifiers: Orphanet 140162, MedGen C0027672, MeSH D009386, MONDO:0015356.
Juvenile polyposis/hereditary hemorrhagic telangiectasia syndrome (JPHT). Also called: POLYPOSIS, GENERALIZED JUVENILE, WITH PULMONARY ARTERIOVENOUS MALFORMATION; TELANGIECTASIA, HEREDITARY HEMORRHAGIC, WITH JUVENILE POLYPOSIS COLI; Juvenile Polyposis Syndrome / Hereditary Hemorrhagic Telangiectasia (JPS/HHT); JP/HHT SYNDROME; JUVENILE POLYPOSIS WITH HEREDITARY HEMORRHAGIC TELANGIECTASIA. Identifiers: Orphanet 2929, MedGen C1832942, MONDO:0008278, OMIM 175050.

Allele frequency attached by ClinVar (database versions not stated): gnomAD exomes below 0.00001 and 0.00001; TOPMed below 0.00001.
gnomAD v4.1: 2 of 1,586,618 alleles (0.00013%); highest among the groups gnomAD compares: Admixed American, 0.0034%; no homozygotes.

Submissions (3):

Labcorp Genetics (formerly Invitae), Labcorp
Classification: Likely benign for Juvenile polyposis syndrome. Last evaluated: 2025-10-27. Review status: criteria provided, single submitter. Criteria: Invitae Variant Classification Sherloc (09022015). Collection method: clinical testing. Allele origin: germline.

Myriad Genetics, Inc.
Classification: Likely benign for Juvenile polyposis/hereditary hemorrhagic telangiectasia syndrome. Last evaluated: 2025-03-21. Review status: criteria provided, single submitter. Criteria: Myriad Autosomal Dominant, Autosomal Recessive and X-Linked Classification Criteria (2023). Collection method: clinical testing. Allele origin: unknown.
Comment: This variant is considered likely benign. This variant is intronic and is not expected to impact mRNA splicing.

Color Diagnostics, LLC DBA Color Health
Classification: Likely benign for Hereditary cancer-predisposing syndrome. Last evaluated: 2019-02-25. Review status: criteria provided, single submitter. Criteria: ACMG Guidelines, 2015. Collection method: clinical testing. Allele origin: germline.